The following is an entry in ClinVar:

NM_004859.4(CLTC):c.3434A>G (p.Asn1145Ser)

Gene: CLTC (clathrin heavy chain; plus strand). Cytogenetic location: 17q23.1.
Variant type: single nucleotide variant.
Coding change: c.3434A>G on transcript NM_004859.4 (MANE Select); coding-DNA position 3434, A replaced by G.
Protein change: p.Asn1145Ser; replaces asparagine 1145 with serine.
Molecular consequence: missense variant.
Genome position (GRCh38, 1-based): chr17:59,681,831, A>G. VCF-style: chr17-59681831-A-G. GRCh37 (hg19) VCF-style: chr17-57759192-A-G.
Other names: c.3434A>G (NM_004859.3); c.3446A>G, p.Asn1149Ser (NM_001288653.2); short protein forms N1145S, N1149S.
Identifiers: ClinVar variation 1906014 (VCV001906014.7), dbSNP rs756406467, ClinGen allele CA8681578.

ClinVar aggregate classification (germline): Uncertain significance. Review status: criteria provided, multiple submitters, no conflicts (2 of 4 stars). 2 submissions from 2 submitters: Uncertain significance (2). Last evaluated 2025-04-02.

Conditions:
Inborn genetic diseases. Identifiers: MedGen C0950123, MeSH D030342.

Allele frequency attached by ClinVar (database versions not stated): gnomAD exomes below 0.00001; TOPMed below 0.00001; ExAC 0.00001; gnomAD 0.00001.
gnomAD v4.1: 7 of 1,612,072 alleles (0.00043%); highest among the groups gnomAD compares: East Asian, 0.0067%; no homozygotes.

Submissions (2):

Labcorp Genetics (formerly Invitae), Labcorp
Classification: Uncertain significance. Last evaluated: 2025-04-02. Review status: criteria provided, single submitter. Criteria: Invitae Variant Classification Sherloc (09022015). Collection method: clinical testing. Allele origin: germline.
Comment: This sequence change replaces asparagine, which is neutral and polar, with serine, which is neutral and polar, at codon 1149 of the CLTC protein (p.Asn1149Ser). This variant is present in population databases (rs756406467, gnomAD 0.01%). This variant has not been reported in the literature in individuals affected with CLTC-related conditions. ClinVar contains an entry for this variant (Variation ID: 1906014). Experimental studies and prediction algorithms are not available or were not evaluated, and the functional significance of this variant is currently unknown. In summary, the available evidence is currently insufficient to determine the role of this variant in disease. Therefore, it has been classified as a Variant of Uncertain Significance.

Ambry Genetics
Classification: Uncertain significance for Inborn genetic diseases. Last evaluated: 2023-08-08. Review status: criteria provided, single submitter. Criteria: Ambry Variant Classification Scheme 2023. Collection method: clinical testing. Allele origin: germline.